The following is an entry in ClinVar:

NM_000059.4(BRCA2):c.9256+735A>C

Gene: BRCA2 (BRCA2 DNA repair associated; plus strand). Cytogenetic location: 13q13.1.
Variant type: single nucleotide variant.
Coding change: c.9256+735A>C on transcript NM_000059.4 (MANE Select); 735 bases into the intron after coding-DNA position 9256, A replaced by C.
Molecular consequence: intron variant.
Genome position (GRCh38, 1-based): chr13:32,380,880, A>C. VCF-style: chr13-32380880-A-C. GRCh37 (hg19) VCF-style: chr13-32955017-A-C.
Identifiers: ClinVar variation 264937 (VCV000264937.1), dbSNP rs183447021, ClinGen allele CA10588156.

ClinVar aggregate classification (germline): Benign (3 of 4 stars; one submission).

Conditions:
Breast-ovarian cancer, familial, susceptibility to, 2 (BROVCA2). Also called: BRCA2 Hereditary Breast and Ovarian Cancer. Identifiers: Orphanet 145, MedGen C2675520, MONDO:0012933, OMIM 612555. Disease mechanism: loss of function.

Allele frequency attached by ClinVar (database versions not stated): gnomAD 0.00028 and 0.00115; TOPMed 0.00043; 1000 Genomes Project 0.00659; 1000 Genomes Project 30x 0.00703.
gnomAD v4.1: 174 of 152,288 alleles (0.11%); highest among the groups gnomAD compares: South Asian, 2.7%; 2 homozygotes.

Submission:

Evidence-based Network for the Interpretation of Germline Mutant Alleles (ENIGMA)
Classification: Benign for Breast-ovarian cancer, familial, susceptibility to, 2. Last evaluated: 2016-09-28. Review status: reviewed by expert panel. Criteria: ENIGMA BRCA1/2 Classification Criteria (2015). Collection method: curation. Allele origin: germline.
Comment: Class 1 not pathogenic based on frequency >1% in an outbred sampleset. Frequency 0.0317 (South Asian), derived from 1000 genomes (2013-05-02).